The following is an entry in ClinVar:

ClinVar aggregate classification (germline): Uncertain significance (1 of 4 stars; one submission).

Conditions:
Genitopatellar syndrome (GTPTS). Also called: Genitopatellar syndrome (GPS); ABSENT PATELLAE, SCROTAL HYPOPLASIA, RENAL ANOMALIES, FACIAL DYSMORPHISM, AND MENTAL RETARDATION. Identifiers: Orphanet 85201, MedGen C1853566, MONDO:0011640, OMIM 606170.

Allele frequency attached by ClinVar (database versions not stated): gnomAD exomes below 0.00001.
gnomAD v4.1: 2 of 1,614,102 alleles (0.00012%); highest among the groups gnomAD compares: Non-Finnish European, 0.00017%; no homozygotes.

Submission:

Labcorp Genetics (formerly Invitae), Labcorp
Classification: Uncertain significance for Genitopatellar syndrome. Last evaluated: 2022-09-02. Review status: criteria provided, single submitter. Criteria: Invitae Variant Classification Sherloc (09022015). Collection method: clinical testing. Allele origin: germline.
Comment: Algorithms developed to predict the effect of missense changes on protein structure and function are either unavailable or do not agree on the potential impact of this missense change (SIFT: "Tolerated"; PolyPhen-2: "Probably Damaging"; Align-GVGD: "Class C0"). In summary, the available evidence is currently insufficient to determine the role of this variant in disease. Therefore, it has been classified as a Variant of Uncertain Significance. This variant has not been reported in the literature in individuals affected with KAT6B-related conditions. This variant is not present in population databases (gnomAD no frequency). This sequence change replaces threonine, which is neutral and polar, with alanine, which is neutral and non-polar, at codon 1646 of the KAT6B protein (p.Thr1646Ala).

NM_012330.4(KAT6B):c.4936A>G (p.Thr1646Ala)

Gene: KAT6B (lysine acetyltransferase 6B; plus strand). Cytogenetic location: 10q22.2.
Variant type: single nucleotide variant.
Coding change: c.4936A>G on transcript NM_012330.4 (MANE Select); coding-DNA position 4936, A replaced by G.
Protein change: p.Thr1646Ala; replaces threonine 1646 with alanine.
Molecular consequence: missense variant.
Genome position (GRCh38, 1-based): chr10:75,029,760, A>G. VCF-style: chr10-75029760-A-G. GRCh37 (hg19) VCF-style: chr10-76789518-A-G.
Other names: c.4387A>G, p.Thr1463Ala (NM_001256468.2, NM_001370138.1); c.4060A>G, p.Thr1354Ala (NM_001256469.2, NM_001370139.1, NM_001370140.1 and 2 more transcripts); c.3898A>G, p.Thr1300Ala (NM_001370132.1); c.3247A>G, p.Thr1083Ala (NM_001370133.1); c.2851A>G, p.Thr951Ala (NM_001370134.1); c.2593A>G, p.Thr865Ala (NM_001370135.1); c.4936A>G, p.Thr1646Ala (NM_001370136.1, NM_001370137.1); c.3871A>G, p.Thr1291Ala (NM_001370143.1, NM_001370144.1); short protein forms T1300A, T1646A, T865A, T1291A, T1463A, T1083A, T1354A, T951A.
Identifiers: ClinVar variation 2166923 (VCV002166923.4), dbSNP rs2549207194, ClinGen allele CA377299191.